The following is an entry in ClinVar:

NM_017813.5(BPNT2):c.118_130dup (p.Glu44fs)

Genes: BPNT2 (3'(2'), 5'-bisphosphate nucleotidase 2; minus strand), LOC130000433 (ATAC-STARR-seq lymphoblastoid silent region 19212; plus strand). Cytogenetic location: 8q12.1.
Variant type: Duplication.
Coding change: c.118_130dup on transcript NM_017813.5 (MANE Select); coding-DNA positions 118 to 130, 13 bases duplicated (GGCCTGGGCGGCG).
Protein change: p.Glu44fs; shifts the reading frame from glutamic acid 44.
Molecular consequence: frameshift variant.
Genome position (GRCh38, 1-based): chr8:56,993,456-56,993,468, CGCCGCCCAGGCC duplicated on the plus strand (GGCCTGGGCGGCG on the coding strand, the reverse complement: BPNT2 is on the minus strand). VCF-style (leftmost placement, unchanged base first): chr8-56993455-T-TCGCCGCCCAGGCC. GRCh37 (hg19) VCF-style: chr8-57906014-T-TCGCCGCCCAGGCC.
Other names: short protein forms E44fs.
Identifiers: ClinVar variation 2182089 (VCV002182089.4), dbSNP rs1293288101, ClinGen allele CA582404691.

ClinVar aggregate classification (germline): Pathogenic (1 of 4 stars; one submission).

Allele frequency attached by ClinVar (database versions not stated): TOPMed below 0.00001.

Submission:

Labcorp Genetics (formerly Invitae), Labcorp
Classification: Pathogenic. Last evaluated: 2024-05-29. Review status: criteria provided, single submitter. Criteria: Invitae Variant Classification Sherloc (09022015). Collection method: clinical testing. Allele origin: germline.
Comment: This sequence change creates a premature translational stop signal (p.Glu44Glyfs*92) in the IMPAD1 gene. It is expected to result in an absent or disrupted protein product. Loss-of-function variants in IMPAD1 are known to be pathogenic (PMID: 21549340, 22887726). This variant is not present in population databases (gnomAD no frequency). This variant has not been reported in the literature in individuals affected with IMPAD1-related conditions. ClinVar contains an entry for this variant (Variation ID: 2182089). For these reasons, this variant has been classified as Pathogenic.

Literature cited by the submitters: PubMed 21549340; PubMed 22887726.